The following is an entry in ClinVar:

ClinVar aggregate classification (germline): Uncertain significance (1 of 4 stars; one submission).

Submission:

Labcorp Genetics (formerly Invitae), Labcorp
Classification: Uncertain significance. Last evaluated: 2023-09-12. Review status: criteria provided, single submitter. Criteria: Invitae Variant Classification Sherloc (09022015). Collection method: clinical testing. Allele origin: germline.
Comment: Algorithms developed to predict the effect of sequence changes on RNA splicing suggest that this variant may disrupt the consensus splice site. In summary, the available evidence is currently insufficient to determine the role of this variant in disease. Therefore, it has been classified as a Variant of Uncertain Significance. This variant has not been reported in the literature in individuals affected with EGF-related conditions. This variant is not present in population databases (gnomAD no frequency). This sequence change falls in intron 2 of the EGF gene. It does not directly change the encoded amino acid sequence of the EGF protein.

NM_001963.6(EGF):c.328-14A>G

Gene: EGF (epidermal growth factor; plus strand). Cytogenetic location: 4q25.
Variant type: single nucleotide variant.
Coding change: c.328-14A>G on transcript NM_001963.6 (MANE Select); 14 bases into the intron before coding-DNA position 328, A replaced by G.
Molecular consequence: intron variant.
Genome position (GRCh38, 1-based): chr4:109,943,240, A>G. VCF-style: chr4-109943240-A-G. GRCh37 (hg19) VCF-style: chr4-110864396-A-G.
Other names: c.328-14A>G (NM_001178130.3, NM_001178131.3, NM_001357021.2).
Identifiers: ClinVar variation 2798698 (VCV002798698.3), dbSNP rs2545715105, ClinGen allele CA2671752362.
Genomic context (GRCh38, chr4:109,943,240, plus strand): 5'-ATATATAACAATTAAAATAATTTTGTTGTGAATGGGGGAAGTATTAATAACAATTTTAAA[A>G]TTTGATTTTGCAGAGAGTATGTAATATAGAGAAAAATGTTTCTGGAATGGCAATAAATTG-3'